The following is an entry in ClinVar:

ClinVar aggregate classification (germline): Likely benign (0 of 4 stars; one submission).

Conditions:
PLA2G4B-related disorder. Also called: PLA2G4B-related condition.

Allele frequency attached by ClinVar (database versions not stated): gnomAD exomes 0.00012; ExAC 0.00059; 1000 Genomes Project 30x 0.00156; TOPMed 0.00167; gnomAD 0.00170; 1000 Genomes Project 0.00180; ESP Exome Variant Server 0.00200.
gnomAD v4.1: 444 of 1,592,908 alleles (0.028%); highest among the groups gnomAD compares: African/African-American, 0.52%; 1 homozygote.

Submission:

PreventionGenetics, part of Exact Sciences
Classification: Likely benign for PLA2G4B-related condition. Last evaluated: 2019-04-10. Review status: no assertion criteria provided. Collection method: clinical testing. Allele origin: germline.
Comment: This variant is classified as likely benign based on ACMG/AMP sequence variant interpretation guidelines (Richards et al. 2015 PMID: 25741868, with internal and published modifications).

NM_001114633.2(PLA2G4B):c.382C>T (p.Leu128=)

Genes: JMJD7-PLA2G4B (JMJD7-PLA2G4B readthrough; plus strand), PLA2G4B (phospholipase A2 group IVB; plus strand). Cytogenetic location: 15q15.1.
Variant type: single nucleotide variant.
Coding change: c.382C>T on transcript NM_001114633.2 (MANE Select); coding-DNA position 382, C replaced by T.
Protein change: p.Leu128=; no amino-acid change (leucine 128 retained).
Molecular consequence: synonymous variant.
Genome position (GRCh38, 1-based): chr15:41,841,085, C>T. VCF-style: chr15-41841085-C-T. GRCh37 (hg19) VCF-style: chr15-42133283-C-T.
Other names: c.1075C>T, p.Leu359= (NM_001198588.2, NM_005090.4).
Identifiers: ClinVar variation 3053479 (VCV003053479.2), dbSNP rs141716167, ClinGen allele CA7499577.